The following is an entry in ClinVar:

NM_015409.5(EP400):c.7532_7533del (p.Gln2511fs)

Gene: EP400 (E1A binding protein p400; plus strand). Cytogenetic location: 12q24.33.
Variant type: Deletion.
Coding change: c.7532_7533del on transcript NM_015409.5 (MANE Select); coding-DNA positions 7532 to 7533, 2 bases deleted (AG; older notation c.7532_7533delAG).
Protein change: p.Gln2511fs; shifts the reading frame from glutamine 2511.
Molecular consequence: frameshift variant.
Genome position (GRCh38, 1-based): chr12:132,053,401-132,053,402, AG deleted. VCF-style (leftmost placement, unchanged base first): chr12-132053400-CAG-C. GRCh37 (hg19) VCF-style: chr12-132537945-CAG-C.
Other names: short protein forms Q2511fs.
Identifiers: ClinVar variation 3039048 (VCV003039048.2), dbSNP rs1593376553, ClinGen allele CA482844007.
Genomic context (GRCh38, chr12:132,053,400, plus strand): 5'-CAGGCTCTGGCTGATCAGCAGAAGGCACAGCAGCCGGCCGTGGCCCAGCCACCCCCGCCC[CAG>C]CCGCAGCCCCCACCACCCCCGCAGCAGCCACCGCCACCGCTGCCACAACCACAGGCAGCG-3'

ClinVar aggregate classification (germline): Likely benign (0 of 4 stars; one submission).

Conditions:
EP400-related disorder. Also called: EP400-related condition.

Submission:

PreventionGenetics, part of Exact Sciences
Classification: Likely benign for EP400-related condition. Last evaluated: 2021-11-16. Review status: no assertion criteria provided. Collection method: clinical testing. Allele origin: germline.
Comment: This variant is classified as likely benign based on ACMG/AMP sequence variant interpretation guidelines (Richards et al. 2015 PMID: 25741868, with internal and published modifications).